The following is an entry in ClinVar:

ClinVar aggregate classification (germline): Likely pathogenic. Review status: criteria provided, multiple submitters, no conflicts (2 of 4 stars). 5 submissions from 5 submitters: Likely pathogenic (5). Last evaluated 2023-09-13.

Conditions:
Hereditary cancer-predisposing syndrome. Also called: Tumor predisposition; Hereditary Cancer Syndrome; Hereditary neoplastic syndrome; Neoplastic Syndromes, Hereditary. Identifiers: Orphanet 140162, MedGen C0027672, MeSH D009386, MONDO:0015356.
Familial cancer of breast. Also called: hereditary breast carcinoma; BREAST CANCER, FAMILIAL; Hereditary breast cancer. Identifiers: Orphanet 227535, MedGen C0346153, MONDO:0016419, OMIM 114480. Disease mechanism: loss of function.

Submissions (5):

Myriad Genetics, Inc.
Classification: Likely pathogenic for Familial cancer of breast. Last evaluated: 2023-09-13. Review status: criteria provided, single submitter. Criteria: Myriad Autosomal Dominant, Autosomal Recessive and X-Linked Classification Criteria (2023). Collection method: clinical testing. Allele origin: unknown.
Comment: This variant is considered likely pathogenic. This variant occurs within a consensus splice junction and is predicted to result in abnormal mRNA splicing of either an out-of-frame exon or an in-frame exon necessary for protein stability and/or normal function.

Ambry Genetics
Classification: Likely pathogenic for Hereditary cancer-predisposing syndrome. Last evaluated: 2023-07-20. Review status: criteria provided, single submitter. Criteria: Ambry Variant Classification Scheme 2023. Collection method: clinical testing. Allele origin: germline.
Comment: The c.2514+1G>C intronic variant results from a G to C substitution one nucleotide after coding exon 5 of the PALB2 gene. This nucleotide position is highly conserved in available vertebrate species. In silico splice site analysis predicts that this alteration will weaken the native splice donor site. RNA studies have demonstrated that this alteration results in abnormal splicing in the set of samples tested (Ambry internal data). Alterations that disrupt the canonical splice site are expected to cause aberrant splicing, resulting in an abnormal protein or a transcript that is subject to nonsense-mediated mRNA decay. As such, this alteration is classified as likely pathogenic.

Labcorp Genetics (formerly Invitae), Labcorp
Classification: Likely pathogenic for Familial cancer of breast. Last evaluated: 2021-10-17. Review status: criteria provided, single submitter. Criteria: Invitae Variant Classification Sherloc (09022015). Collection method: clinical testing. Allele origin: germline.
Comment: In summary, the currently available evidence indicates that the variant is pathogenic, but additional data are needed to prove that conclusively. Therefore, this variant has been classified as Likely Pathogenic. Donor and acceptor splice site variants typically lead to a loss of protein function (PMID: 16199547), and loss-of-function variants in PALB2 are known to be pathogenic (PMID: 17200668, 24136930, 25099575). Algorithms developed to predict the effect of sequence changes on RNA splicing suggest that this variant may disrupt the consensus splice site, but this prediction has not been confirmed by published transcriptional studies. This variant has not been reported in the literature in individuals with PALB2-related conditions. ClinVar contains an entry for this variant (Variation ID: 265684). This variant is not present in population databases (ExAC no frequency). This sequence change affects a donor splice site in intron 5 of the PALB2 gene. It is expected to disrupt RNA splicing and likely results in an absent or disrupted protein product.

Genetics and Molecular Pathology, SA Pathology
Classification: Likely pathogenic for Familial cancer of breast. Last evaluated: 2020-06-24. Review status: criteria provided, single submitter. Criteria: ACMG Guidelines, 2015. Collection method: clinical testing. Allele origin: germline. Affected: yes.

GeneDx
Classification: Likely pathogenic. Last evaluated: 2020-02-25. Review status: criteria provided, single submitter. Criteria: GeneDx Variant Classification Process June 2021. Collection method: clinical testing. Allele origin: germline. Affected: yes.
Comment: Canonical splice site variant predicted to result in a null allele in a gene for which loss-of-function is a known mechanism of disease; Not observed in large population cohorts (Lek et al., 2016); Has not been previously published as pathogenic or benign to our knowledge

Literature cited by the submitters: PubMed 16199547 (cited by Labcorp Genetics (formerly Invitae), Labcorp); PubMed 17200668 (cited by Labcorp Genetics (formerly Invitae), Labcorp); PubMed 24136930 (cited by Labcorp Genetics (formerly Invitae), Labcorp); PubMed 25099575 (cited by Labcorp Genetics (formerly Invitae), Labcorp).

NM_024675.4(PALB2):c.2514+1G>C

Gene: PALB2 (partner and localizer of BRCA2; minus strand). Cytogenetic location: 16p12.2.
Variant type: single nucleotide variant.
Coding change: c.2514+1G>C on transcript NM_024675.4 (MANE Select); the canonical splice donor site of the intron after coding-DNA position 2514, G replaced by C.
Molecular consequence: splice donor variant. On other transcripts: intron variant (1).
Genome position (GRCh38, 1-based): chr16:23,629,639, C>G on the plus strand (G>C on the coding strand, the complement: PALB2 is on the minus strand). VCF-style: chr16-23629639-C-G. GRCh37 (hg19) VCF-style: chr16-23640960-C-G.
Other names: c.1629+1G>C (NM_001407308.1, NM_001407306.1, NM_001407307.1 and 5 more transcripts); c.49-364G>C (NM_001407314.1); c.726+1G>C (NM_001407313.1, NM_001407312.1); c.2454+1G>C (NM_001407296.1); c.2514+1G>C (NM_001407297.1, NM_001407302.1, NM_001407298.1 and 3 more transcripts).
Identifiers: ClinVar variation 265684 (VCV000265684.18), dbSNP rs886039729, ClinGen allele CA10588607.
Genomic context (GRCh38, chr16:23,629,639, plus strand): 5'-TTACATTCACTAAGGCATTTCATTCCTTCAGAGAAAATTTCACAGAGGAAATGGATTGTA[C>G]CTGTTCGACGGAATGTTTATGCAGCTCCTGGCATGTGTTTCTACAGAGCTGATTTTCTTT-3'